The following is an entry in ClinVar:

ClinVar aggregate classification (germline): Pathogenic (1 of 4 stars; one submission).

Conditions:
DiGeorge syndrome. Also called: THIRD AND FOURTH PHARYNGEAL POUCH SYNDROME; Catch22. Identifiers: Orphanet 567, MedGen C0012236, MONDO:0008564, OMIM 188400.

Submission:

Labcorp Genetics (formerly Invitae), Labcorp
Classification: Pathogenic for DiGeorge syndrome. Last evaluated: 2022-10-01. Review status: criteria provided, single submitter. Criteria: Invitae Variant Classification Sherloc (09022015). Collection method: clinical testing. Allele origin: germline.
Comment: For these reasons, this variant has been classified as Pathogenic. This premature translational stop signal has been observed in individual(s) with clinical features of DiGeorge/velocardiofacial syndrome (Invitae). The frequency data for this variant in the population databases is considered unreliable, as metrics indicate insufficient coverage at this position in the gnomAD database. This sequence change creates a premature translational stop signal (p.Pro58Alafs*101) in the TBX1 gene. It is expected to result in an absent or disrupted protein product. Loss-of-function variants in TBX1 are known to be pathogenic (PMID: 25860641, 29500247).

Literature cited by the submitters: PubMed 25860641; PubMed 29500247.

NM_001379200.1(TBX1):c.199_227del (p.Pro67fs)

Gene: TBX1 (T-box transcription factor 1; plus strand). Cytogenetic location: 22q11.21.
Variant type: Deletion.
Coding change: c.199_227del on transcript NM_001379200.1 (MANE Select); coding-DNA positions 199 to 227, 29 bases deleted (CCCGGCGCCCCGGGCCCGCCGCCGCCGCC).
Protein change: p.Pro67fs; shifts the reading frame from proline 67.
Molecular consequence: frameshift variant.
Genome position (GRCh38, 1-based): chr22:19,761,042-19,761,070, CCCGGCGCCCCGGGCCCGCCGCCGCCGCC deleted; deleting any 29 consecutive bases within chr22:19,761,029-19,761,070 gives the same sequence; the c. name uses the placement nearest the transcript's 3' end. VCF-style (leftmost placement, unchanged base first): chr22-19761028-GCGCCGCCGCCGCCCCCGGCGCCCCGGGCC-G. GRCh37 (hg19) VCF-style: chr22-19748551-GCGCCGCCGCCGCCCCCGGCGCCCCGGGCC-G.
Other names: c.172_200del, p.Pro58fs (NM_005992.1, NM_080646.2, NM_080647.1); short protein forms P67fs, P58fs.
Identifiers: ClinVar variation 1967408 (VCV001967408.5), dbSNP rs2517841942, ClinGen allele CA2580099100.
Genomic context (GRCh38, chr22:19,761,028, plus strand): 5'-CCGGCGCCGACCCGTACGGCCCGCGCGAGCCCCCGCCGCCGCCGCCGCGCTACGACCCGT[GCGCCGCCGCCGCCCCCGGCGCCCCGGGCC>G]CGCCGCCGCCGCCGCACGCCTACCCGTTTGCGCCGGCCGCCGGGGCCGCCACCAGCGCCG-3'